The following is an entry in ClinVar:

NM_080911.3(UNG):c.640G>A (p.Ala214Thr)

Gene: UNG (uracil DNA glycosylase; plus strand). Cytogenetic location: 12q24.11.
Variant type: single nucleotide variant.
Coding change: c.640G>A on transcript NM_080911.3 (MANE Select); coding-DNA position 640, G replaced by A.
Protein change: p.Ala214Thr; replaces alanine 214 with threonine.
Molecular consequence: missense variant.
Genome position (GRCh38, 1-based): chr12:109,103,450, G>A. VCF-style: chr12-109103450-G-A. GRCh37 (hg19) VCF-style: chr12-109541255-G-A.
Other names: c.613G>A, p.Ala205Thr (NM_003362.4); short protein forms A205T, A214T.
Identifiers: ClinVar variation 1956695 (VCV001956695.2), dbSNP rs1375530817, ClinGen allele CA386473443.
Genomic context (GRCh38, chr12:109,103,450, plus strand): 5'-TTTGCCTGAGCCTACATTTAACCTGTTTCTCTCATGTGTATAGGTGTTCTCCTTCTCAAC[G>A]CTGTCCTCACGGTTCGTGCCCATCAAGCCAACTCTCATAAGGAGCGAGGCTGGGAGCAGT-3'
Protein context (NP_550433.1, residues 204-224): WAKQGVLLLN[Ala214Thr]VLTVRAHQAN

ClinVar aggregate classification (germline): Uncertain significance (1 of 4 stars; one submission).

Conditions:
Hyper-IgM syndrome type 5 (HIGM5). Also called: Hyper-IgM Immunodeficiency Syndrome, Type 5. Identifiers: Orphanet 101092, MedGen C1720958, MONDO:0011971, OMIM 608106.

Allele frequency attached by ClinVar (database versions not stated): TOPMed below 0.00001; gnomAD 0.00001.

Submission:

Labcorp Genetics (formerly Invitae), Labcorp
Classification: Uncertain significance for Hyper-IgM syndrome type 5. Last evaluated: 2022-01-17. Review status: criteria provided, single submitter. Criteria: Invitae Variant Classification Sherloc (09022015). Collection method: clinical testing. Allele origin: germline.
Comment: This sequence change replaces alanine, which is neutral and non-polar, with threonine, which is neutral and polar, at codon 214 of the UNG protein (p.Ala214Thr). This variant is not present in population databases (gnomAD no frequency). This variant has not been reported in the literature in individuals affected with UNG-related conditions. Algorithms developed to predict the effect of missense changes on protein structure and function are either unavailable or do not agree on the potential impact of this missense change (SIFT: "Tolerated"; PolyPhen-2: "Possibly Damaging"; Align-GVGD: "Class C0"). In summary, the available evidence is currently insufficient to determine the role of this variant in disease. Therefore, it has been classified as a Variant of Uncertain Significance.